The following is an entry in ClinVar:

ClinVar aggregate classification (germline): Uncertain significance (1 of 4 stars; one submission).

Submission:

Labcorp Genetics (formerly Invitae), Labcorp
Classification: Uncertain significance. Last evaluated: 2023-12-18. Review status: criteria provided, single submitter. Criteria: Invitae Variant Classification Sherloc (09022015). Collection method: clinical testing. Allele origin: germline.
Comment: This sequence change replaces proline, which is neutral and non-polar, with serine, which is neutral and polar, at codon 1813 of the ARID1A protein (p.Pro1813Ser). This variant is not present in population databases (gnomAD no frequency). This variant has not been reported in the literature in individuals affected with ARID1A-related conditions. Advanced modeling of protein sequence and biophysical properties (such as structural, functional, and spatial information, amino acid conservation, physicochemical variation, residue mobility, and thermodynamic stability) performed at Invitae indicates that this missense variant is expected to disrupt ARID1A protein function with a positive predictive value of 80%. In summary, the available evidence is currently insufficient to determine the role of this variant in disease. Therefore, it has been classified as a Variant of Uncertain Significance.

NM_006015.6(ARID1A):c.5437C>T (p.Pro1813Ser)

Gene: ARID1A (AT-rich interaction domain 1A; plus strand). Cytogenetic location: 1p36.11.
Variant type: single nucleotide variant.
Coding change: c.5437C>T on transcript NM_006015.6 (MANE Select); coding-DNA position 5437, C replaced by T.
Protein change: p.Pro1813Ser; replaces proline 1813 with serine.
Molecular consequence: missense variant.
Genome position (GRCh38, 1-based): chr1:26,779,335, C>T. VCF-style: chr1-26779335-C-T. GRCh37 (hg19) VCF-style: chr1-27105826-C-T.
Other names: c.4786C>T, p.Pro1596Ser (NM_139135.4); short protein forms P1813S, P1596S.
Identifiers: ClinVar variation 2999745 (VCV002999745.3), dbSNP rs2124139307, ClinGen allele CA339185383.